The following is an entry in ClinVar:

ClinVar aggregate classification (germline): Uncertain significance (1 of 4 stars; one submission).

Allele frequency attached by ClinVar (database versions not stated): gnomAD exomes below 0.00001.
gnomAD v4.1: 4 of 1,551,826 alleles (0.00026%); highest among the groups gnomAD compares: African/African-American, 0.0027%; no homozygotes.

Submission:

Labcorp Genetics (formerly Invitae), Labcorp
Classification: Uncertain significance. Last evaluated: 2024-10-23. Review status: criteria provided, single submitter. Criteria: Invitae Variant Classification Sherloc (09022015). Collection method: clinical testing. Allele origin: germline.
Comment: This sequence change replaces isoleucine, which is neutral and non-polar, with valine, which is neutral and non-polar, at codon 459 of the HNF1B protein (p.Ile459Val). The frequency data for this variant in the population databases is considered unreliable, as metrics indicate poor data quality at this position in the gnomAD database. This variant has not been reported in the literature in individuals affected with HNF1B-related conditions. Invitae Evidence Modeling of protein sequence and biophysical properties (such as structural, functional, and spatial information, amino acid conservation, physicochemical variation, residue mobility, and thermodynamic stability) indicates that this missense variant is not expected to disrupt HNF1B protein function with a negative predictive value of 80%. In summary, the available evidence is currently insufficient to determine the role of this variant in disease. Therefore, it has been classified as a Variant of Uncertain Significance.

NM_000458.4(HNF1B):c.1375A>G (p.Ile459Val)

Gene: HNF1B (HNF1 homeobox B; minus strand). Cytogenetic location: 17q12.
Variant type: single nucleotide variant.
Coding change: c.1375A>G on transcript NM_000458.4 (MANE Select); coding-DNA position 1375, A replaced by G.
Protein change: p.Ile459Val; replaces isoleucine 459 with valine.
Molecular consequence: missense variant. On other transcripts: intron variant (1).
Genome position (GRCh38, 1-based): chr17:37,701,142, T>C on the plus strand (A>G on the coding strand, the complement: HNF1B is on the minus strand). VCF-style: chr17-37701142-T-C. GRCh37 (hg19) VCF-style: chr17-36061147-T-C.
Other names: c.1297A>G, p.Ile433Val (NM_001165923.4); c.1375A>G, p.Ile459Val (NM_001411100.1); c.1261+3775A>G (NM_001304286.2); short protein forms I433V, I459V.
Identifiers: ClinVar variation 2799486 (VCV002799486.3), dbSNP rs950617131, ClinGen allele CA398755930.